The following is an entry in ClinVar:

NM_006231.4(POLE):c.6677G>T (p.Gly2226Val)

Gene: POLE (DNA polymerase epsilon, catalytic subunit; minus strand). Cytogenetic location: 12q24.33.
Variant type: single nucleotide variant.
Coding change: c.6677G>T on transcript NM_006231.4 (MANE Select); coding-DNA position 6677, G replaced by T.
Protein change: p.Gly2226Val; replaces glycine 2226 with valine.
Molecular consequence: missense variant.
Genome position (GRCh38, 1-based): chr12:132,624,975, C>A on the plus strand (G>T on the coding strand, the complement: POLE is on the minus strand). VCF-style: chr12-132624975-C-A. GRCh37 (hg19) VCF-style: chr12-133201561-C-A.
Other names: short protein forms G2226V.
Identifiers: ClinVar variation 3422137 (VCV003422137.1).

ClinVar aggregate classification (germline): Uncertain significance (1 of 4 stars; one submission).

Conditions:
Hereditary cancer-predisposing syndrome. Also called: Neoplastic Syndromes, Hereditary; Tumor predisposition; Hereditary Cancer Syndrome; Hereditary neoplastic syndrome. Identifiers: Orphanet 140162, MedGen C0027672, MeSH D009386, MONDO:0015356.

Submission:

Ambry Genetics
Classification: Uncertain significance for Hereditary cancer-predisposing syndrome. Last evaluated: 2024-08-17. Review status: criteria provided, single submitter. Criteria: Ambry Variant Classification Scheme 2023. Collection method: clinical testing. Allele origin: germline.
Comment: The p.G2226V variant (also known as c.6677G>T), located in coding exon 48 of the POLE gene, results from a G to T substitution at nucleotide position 6677. The glycine at codon 2226 is replaced by valine, an amino acid with dissimilar properties. This amino acid position is conserved. In addition, the in silico prediction for this alteration is inconclusive. Based on the available evidence, the clinical significance of this variant remains unclear.